The following is an entry in ClinVar:

NC_000001.10:g.(?_24132578)_(24134831_?)del

Gene: HMGCL (3-hydroxy-3-methylglutaryl-CoA lyase; minus strand). Cytogenetic location: 1p36.11.
Variant type: Deletion.
Identifiers: ClinVar variation 3247676 (VCV003247676.1).

ClinVar aggregate classification (germline): Pathogenic (1 of 4 stars; one submission).

Conditions:
Deficiency of hydroxymethylglutaryl-CoA lyase (HMGCLD). Also called: HMG-CoA LYASE DEFICIENCY; Defect in leucine metabolism; 3-hydroxy-3-methylglutaric aciduria; HMGCL DEFICIENCY; HYDROXYMETHYLGLUTARIC ACIDURIA. Identifiers: Orphanet 20, MedGen C1533587, MONDO:0009520, OMIM 246450.

Submission:

Labcorp Genetics (formerly Invitae), Labcorp
Classification: Pathogenic for Deficiency of hydroxymethylglutaryl-CoA lyase. Last evaluated: 2023-04-18. Review status: criteria provided, single submitter. Criteria: Invitae Variant Classification Sherloc (09022015). Collection method: clinical testing. Allele origin: unknown.
Comment: This variant is a gross deletion of the genomic region encompassing exon(s) 7 of the HMGCL gene. This variant would be expected to be in-frame, preserving the integrity of the reading frame. A similar copy number variant has been observed in individual(s) with HMG-CoA lyase deficiency (PMID: 11129331). For these reasons, this variant has been classified as Pathogenic. This variant disrupts a region of the HMGCL protein in which other variant(s) (p.His233Arg) have been determined to be pathogenic (PMID: 8798725, 9784232, 14518825, 16330550). This suggests that this is a clinically significant region of the protein, and that variants that disrupt it are likely to be disease-causing. Experimental studies have shown that a similar copy number variant affects HMGCL function (PMID: 11129331). Algorithms developed to predict the effect of variants on protein structure and function are not available or were not evaluated for this variant.

Literature cited by the submitters: PubMed 11129331; PubMed 8798725; PubMed 9784232; PubMed 14518825; PubMed 16330550.